The following is an entry in ClinVar:

NC_000005.10:g.(?_177288799)_(177288945_?)del

Gene: NSD1 (nuclear receptor binding SET domain protein 1; plus strand). Cytogenetic location: 5q35.3.
Variant type: Deletion.
Identifiers: ClinVar variation 832417 (VCV000832417.7).

ClinVar aggregate classification (germline): Pathogenic. Review status: criteria provided, single submitter (1 of 4 stars). 2 submissions from 1 submitter: Pathogenic (2). Last evaluated 2019-04-29.

Conditions:
Beckwith-Wiedemann syndrome (BWS). Also called: Exomphalos macroglossia gigantism syndrome; EMG SYNDROME. Identifiers: Orphanet 116, MedGen C0004903, MONDO:0007534, OMIM 130650.
Sotos syndrome (SOTOS). Also called: CEREBRAL GIGANTISM; CHROMOSOME 5q35 DELETION SYNDROME; SOTOS SYNDROME 1; Sotos' syndrome; Distinctive facial appearance, overgrowth in childhood, and learning disabilities or delayed development. Identifiers: Orphanet 821, MedGen C0175695, MONDO:0019349, OMIM 117550.

Submissions (2):

Labcorp Genetics (formerly Invitae), Labcorp
Classification: Pathogenic for Beckwith-Wiedemann syndrome. Last evaluated: 2019-04-29. Review status: criteria provided, single submitter. Criteria: Invitae Variant Classification Sherloc (09022015). Collection method: clinical testing. Allele origin: germline.
Comment: This variant is an out-of-frame deletion of the genomic region encompassing exon 21 of the NSD1 gene. This is expected to create a premature translational stop signal and result in an absent or disrupted protein product. This variant has not been reported in the literature in individuals with NSD1-related conditions. Loss-of-function variants in NSD1 are known to be pathogenic (PMID: 12464997, 14571271, 15942875, 16247291). For these reasons, this variant has been classified as Pathogenic.

Labcorp Genetics (formerly Invitae), Labcorp
Classification: Pathogenic. Last evaluated: 2019-04-25. Review status: criteria provided, single submitter. Criteria: Invitae Variant Classification Sherloc (09022015). Collection method: clinical testing. Allele origin: germline.
Comment: the same text as in the submission from Labcorp Genetics (formerly Invitae), Labcorp above.

Literature cited by the submitters: PubMed 12464997; PubMed 14571271; PubMed 15942875; PubMed 16247291.